The following is an entry in ClinVar:

ClinVar aggregate classification (germline): Conflicting classifications of pathogenicity. Review status: criteria provided, conflicting classifications (1 of 4 stars). 2 submissions from 2 submitters: Uncertain significance (1); Likely benign (1). Last evaluated 2025-11-02.

Conditions:
Cardiovascular phenotype. Identifiers: MedGen CN230736.
Dilated cardiomyopathy 1DD (CMD1DD). Identifiers: Orphanet 154, MedGen C2750995, MONDO:0013168, OMIM 613172.

Allele frequency attached by ClinVar (database versions not stated): gnomAD exomes 0.00004.
gnomAD v4.1: 19 of 1,551,902 alleles (0.0012%); highest among the groups gnomAD compares: East Asian, 0.046%; 2 homozygotes.

Submissions (2):

Ambry Genetics
Classification: Uncertain significance for Cardiovascular phenotype. Last evaluated: 2025-11-02. Review status: criteria provided, single submitter. Criteria: Ambry Variant Classification Scheme 2023. Collection method: clinical testing. Allele origin: germline.
Comment: The p.L953S variant (also known as c.2858T>C), located in coding exon 11 of the RBM20 gene, results from a T to C substitution at nucleotide position 2858. The leucine at codon 953 is replaced by serine, an amino acid with dissimilar properties. This amino acid position is conserved. In addition, the in silico prediction for this alteration is inconclusive. Based on the available evidence, the clinical significance of this variant remains unclear.

Labcorp Genetics (formerly Invitae), Labcorp
Classification: Likely benign for Dilated cardiomyopathy 1DD. Last evaluated: 2025-02-23. Review status: criteria provided, single submitter. Criteria: Invitae Variant Classification Sherloc (09022015). Collection method: clinical testing. Allele origin: germline.

NM_001134363.3(RBM20):c.2858T>C (p.Leu953Ser)

Gene: RBM20 (RNA binding motif protein 20; plus strand). Cytogenetic location: 10q25.2.
Variant type: single nucleotide variant.
Coding change: c.2858T>C on transcript NM_001134363.3 (MANE Select); coding-DNA position 2858, T replaced by C.
Protein change: p.Leu953Ser; replaces leucine 953 with serine.
Molecular consequence: missense variant.
Genome position (GRCh38, 1-based): chr10:110,821,477, T>C. VCF-style: chr10-110821477-T-C. GRCh37 (hg19) VCF-style: chr10-112581235-T-C.
Other names: short protein forms L953S.
Identifiers: ClinVar variation 2250060 (VCV002250060.4), dbSNP rs1363162720, ClinGen allele CA378378086.